The following is an entry in ClinVar:

NM_001273.5(CHD4):c.2126C>T (p.Thr709Ile)

Gene: CHD4 (chromodomain helicase DNA binding protein 4; minus strand). Cytogenetic location: 12p13.31.
Variant type: single nucleotide variant.
Coding change: c.2126C>T on transcript NM_001273.5 (MANE Select); coding-DNA position 2126, C replaced by T.
Protein change: p.Thr709Ile; replaces threonine 709 with isoleucine.
Molecular consequence: missense variant.
Genome position (GRCh38, 1-based): chr12:6,594,646, G>A on the plus strand (C>T on the coding strand, the complement: CHD4 is on the minus strand). VCF-style: chr12-6594646-G-A. GRCh37 (hg19) VCF-style: chr12-6703812-G-A.
Other names: c.2087C>T, p.Thr696Ile (NM_001363606.2); c.2105C>T, p.Thr702Ile (NM_001297553.2); short protein forms T702I, T696I, T709I.
Identifiers: ClinVar variation 1391204 (VCV001391204.6), dbSNP rs981819804, ClinGen allele CA232393718.

ClinVar aggregate classification (germline): Uncertain significance (1 of 4 stars; one submission).

Submission:

Labcorp Genetics (formerly Invitae), Labcorp
Classification: Uncertain significance. Last evaluated: 2021-11-04. Review status: criteria provided, single submitter. Criteria: Invitae Variant Classification Sherloc (09022015). Collection method: clinical testing. Allele origin: germline.
Comment: This sequence change replaces threonine, which is neutral and polar, with isoleucine, which is neutral and non-polar, at codon 709 of the CHD4 protein (p.Thr709Ile). This variant is not present in population databases (gnomAD no frequency). This variant has not been reported in the literature in individuals affected with CHD4-related conditions. Algorithms developed to predict the effect of missense changes on protein structure and function are either unavailable or do not agree on the potential impact of this missense change (SIFT: "Deleterious"; PolyPhen-2: "Benign"; Align-GVGD: "Class C65"). In summary, the available evidence is currently insufficient to determine the role of this variant in disease. Therefore, it has been classified as a Variant of Uncertain Significance.